The following is an entry in ClinVar:

ClinVar aggregate classification (germline): Uncertain significance (1 of 4 stars; one submission).

Submission:

GeneDx
Classification: Uncertain significance. Last evaluated: 2026-01-27. Review status: criteria provided, single submitter. Criteria: GeneDx Variant Classification Process June 2021. Collection method: clinical testing. Allele origin: germline.
Comment: Not observed at significant frequency in large population cohorts (gnomAD); In silico analysis suggests that this missense variant does not alter protein structure/function; Has not been previously published as pathogenic or benign to our knowledge

NM_016604.4(KDM3B):c.4148C>G (p.Ser1383Cys)

Gene: KDM3B (lysine demethylase 3B; plus strand). Cytogenetic location: 5q31.2.
Variant type: single nucleotide variant.
Coding change: c.4148C>G on transcript NM_016604.4 (MANE Select); coding-DNA position 4148, C replaced by G.
Protein change: p.Ser1383Cys; replaces serine 1383 with cysteine.
Molecular consequence: missense variant.
Genome position (GRCh38, 1-based): chr5:138,424,250, C>G. VCF-style: chr5-138424250-C-G. GRCh37 (hg19) VCF-style: chr5-137759939-C-G.
Other names: short protein forms S1383C.
Identifiers: ClinVar variation 4975721 (VCV004975721.1).